The following is an entry in ClinVar:

ClinVar aggregate classification (germline): Uncertain significance. Review status: criteria provided, multiple submitters, no conflicts (2 of 4 stars). 2 submissions from 2 submitters: Uncertain significance (2). Last evaluated 2025-07-15.

Conditions:
Long QT syndrome (LQTS). Identifiers: MedGen C0023976, MeSH D008133, MONDO:0002442. Disease mechanism: loss of function. Inheritance: Various modes of inheritance.
Cardiovascular phenotype. Identifiers: MedGen CN230736.

Allele frequency attached by ClinVar (database versions not stated): gnomAD exomes below 0.00001; TOPMed 0.00001.
gnomAD v4.1: 11 of 1,613,730 alleles (0.00068%); highest among the groups gnomAD compares: African/African-American, 0.0013%; no homozygotes.

Submissions (2):

Ambry Genetics
Classification: Uncertain significance for Cardiovascular phenotype. Last evaluated: 2025-07-15. Review status: criteria provided, single submitter. Criteria: Ambry Variant Classification Scheme 2023. Collection method: clinical testing. Allele origin: germline.

Labcorp Genetics (formerly Invitae), Labcorp
Classification: Uncertain significance for Long QT syndrome. Last evaluated: 2020-07-13. Review status: criteria provided, single submitter. Criteria: Invitae Variant Classification Sherloc (09022015). Collection method: clinical testing. Allele origin: germline.
Comment: Algorithms developed to predict the effect of missense changes on protein structure and function do not agree on the potential impact of this missense change (SIFT: "Deleterious"; PolyPhen-2: "Benign"; Align-GVGD: "Class C0"). In summary, the available evidence is currently insufficient to determine the role of this variant in disease. Therefore, it has been classified as a Variant of Uncertain Significance. This variant has not been reported in the literature in individuals with AKAP9-related disease. This variant is not present in population databases (ExAC no frequency). This sequence change replaces aspartic acid with tyrosine at codon 1496 of the AKAP9 protein (p.Asp1496Tyr). The aspartic acid residue is weakly conserved and there is a large physicochemical difference between aspartic acid and tyrosine.

NM_005751.5(AKAP9):c.4486G>T (p.Asp1496Tyr)

Gene: AKAP9 (A-kinase anchoring protein 9; plus strand). Cytogenetic location: 7q21.2.
Variant type: single nucleotide variant.
Coding change: c.4486G>T on transcript NM_005751.5 (MANE Select); coding-DNA position 4486, G replaced by T.
Protein change: p.Asp1496Tyr; replaces aspartic acid 1496 with tyrosine.
Molecular consequence: missense variant.
Genome position (GRCh38, 1-based): chr7:92,038,566, G>T. VCF-style: chr7-92038566-G-T. GRCh37 (hg19) VCF-style: chr7-91667880-G-T.
Other names: c.4486G>T, p.Asp1496Tyr (NM_147185.3); short protein forms D1496Y.
Identifiers: ClinVar variation 1014314 (VCV001014314.10), dbSNP rs1443301693, ClinGen allele CA368128871.